The following is an entry in ClinVar:

ClinVar aggregate classification (germline): Likely pathogenic (1 of 4 stars; one submission).

Conditions:
Pontocerebellar hypoplasia, hypotonia, and respiratory insufficiency syndrome, neonatal lethal. Also called: PHRINL SYNDROME. Identifiers: Orphanet 615954, MedGen C5394137, MONDO:0032931, OMIM 618810.
Harel-Yoon syndrome (HAYOS). Also called: Optic atrophy-peripheral neuropathy-developmental delay syndrome. Identifiers: Orphanet 496790, MedGen C4310677, MONDO:0014958, OMIM 617183.

Submission:

Juno Genomics, Hangzhou Juno Genomics, Inc
Classification: Likely pathogenic for Harel-Yoon syndrome; Pontocerebellar hypoplasia, hypotonia, and respiratory insufficiency syndrome, neonatal lethal. Review status: criteria provided, single submitter. Criteria: ACMG Guidelines, 2015. Collection method: clinical testing. Allele origin: germline.
Comment: Absent from controls (or at extremely low frequency if recessive) in Genome Aggregation Database.;Null variant in a gene where loss of function (LOF) is a known mechanism of disease.

NM_001170535.3(ATAD3A):c.166del (p.Glu56fs)

Gene: ATAD3A (ATPase family AAA domain containing 3A; plus strand). Cytogenetic location: 1p36.33.
Variant type: Deletion.
Coding change: c.166del on transcript NM_001170535.3 (MANE Select); coding-DNA position 166, one base deleted (G; older notation c.166delG).
Protein change: p.Glu56fs; shifts the reading frame from glutamic acid 56.
Molecular consequence: frameshift variant.
Genome position (GRCh38, 1-based): chr1:1,512,434, G deleted; the last of 2 consecutive G bases (chr1:1,512,433-1,512,434); deleting either gives the same sequence. VCF-style (leftmost placement, unchanged base first): chr1-1512432-TG-T. GRCh37 (hg19) VCF-style: chr1-1447812-TG-T.
Other names: c.166del, p.Glu56fs (NM_018188.5); short protein forms E56fs.
Identifiers: ClinVar variation 5007727 (VCV005007727.2).